The following is an entry in ClinVar:

NM_001369.3(DNAH5):c.12076dup (p.Glu4026fs)

Gene: DNAH5 (dynein axonemal heavy chain 5; minus strand). Cytogenetic location: 5p15.2.
Variant type: Duplication.
Coding change: c.12076dup on transcript NM_001369.3 (MANE Select); coding-DNA position 12076, one base duplicated (G; older notation c.12076dupG).
Protein change: p.Glu4026fs; shifts the reading frame from glutamic acid 4026.
Molecular consequence: frameshift variant.
Genome position (GRCh38, 1-based): chr5:13,721,203, C duplicated on the plus strand (G on the coding strand, the reverse complement: DNAH5 is on the minus strand). VCF-style (leftmost placement, unchanged base first): chr5-13721202-T-TC. GRCh37 (hg19) VCF-style: chr5-13721311-T-TC.
Other names: short protein forms E4026fs.
Identifiers: ClinVar variation 5010769 (VCV005010769.1).

ClinVar aggregate classification (germline): Pathogenic (1 of 4 stars; one submission).

Conditions:
Primary ciliary dyskinesia 3. Identifiers: Orphanet 244, MedGen C1837618, MONDO:0012085, OMIM 608644.

Submission:

Myriad Genetics, Inc.
Classification: Pathogenic for Primary ciliary dyskinesia 3. Last evaluated: 2024-05-14. Review status: criteria provided, single submitter. Criteria: Myriad Autosomal Dominant, Autosomal Recessive and X-Linked Classification Criteria (2023). Collection method: clinical testing. Allele origin: unknown.
Comment: NM_001369.2(DNAH5):c.12076dupG(E4026Gfs*15) is expected to be pathogenic in the context of primary ciliary dyskinesia, DNAH5-related. This variant is predicted to lead to an abnormal or absent protein product due to the creation of a premature termination codon in DNAH5, a gene where loss-of-function variants are known to be pathogenic. Please note: this variant was assessed in the context of healthy population screening.